The following is an entry in ClinVar:

ClinVar aggregate classification (germline): Likely benign. Review status: criteria provided, multiple submitters, no conflicts (2 of 4 stars). 6 submissions from 6 submitters: Likely benign (6). Last evaluated 2025-12-13.

Conditions:
Familial thoracic aortic aneurysm and aortic dissection (TAAD). Also called: Thoracic aortic aneurysms and dissections. Identifiers: Orphanet 91387, MedGen C4707243, MONDO:0019625.
Ehlers-Danlos syndrome, type 4 (EDSVASC). Also called: Ehlers-Danlos syndrome vascular type; Ehlers Danlos syndrome, ecchymotic type; Ehlers Danlos syndrome, arterial type; Ehlers Danlos syndrome, Sack-Barabas type; Ehlers-Danlos Syndrome Type IV. Identifiers: Orphanet 286, MedGen C0268338, MONDO:0017314, OMIM 130050.

Allele frequency attached by ClinVar (database versions not stated): ExAC 0.00002.
gnomAD v4.1: 13 of 1,613,624 alleles (0.00081%); highest among the groups gnomAD compares: Non-Finnish European, 0.001%; no homozygotes.

Submissions (6):

Labcorp Genetics (formerly Invitae), Labcorp
Classification: Likely benign for Ehlers-Danlos syndrome, type 4. Last evaluated: 2025-12-13. Review status: criteria provided, single submitter. Criteria: Invitae Variant Classification Sherloc (09022015). Collection method: clinical testing. Allele origin: germline.

All of Us Research Program, National Institutes of Health
Classification: Likely benign for Ehlers-Danlos syndrome, type 4. Last evaluated: 2024-06-17. Review status: criteria provided, single submitter. Criteria: ACMG Guidelines, 2015. Collection method: clinical testing. Allele origin: germline. Inheritance: Autosomal dominant inheritance. Observed: 1 variant allele, 1 heterozygote.
Comment: This study involves interpretation of variants in research participants for the purpose of population health screening. Participant phenotype was not available at the time of variant classification. Additional details can be found in publication PMID: 35346344, PMCID: PMC8962531

Ambry Genetics
Classification: Likely benign for Familial thoracic aortic aneurysm and aortic dissection. Last evaluated: 2022-07-17. Review status: criteria provided, single submitter. Criteria: Ambry Variant Classification Scheme 2023. Collection method: clinical testing. Allele origin: germline.

Color Diagnostics, LLC DBA Color Health
Classification: Likely benign for Familial thoracic aortic aneurysm and aortic dissection. Last evaluated: 2019-01-31. Review status: criteria provided, single submitter. Criteria: ACMG Guidelines, 2015. Collection method: clinical testing. Allele origin: germline.

GeneDx
Classification: Likely benign. Last evaluated: 2016-08-08. Review status: criteria provided, single submitter. Criteria: GeneDx Variant Classification (06012015). Collection method: clinical testing. Allele origin: germline. Affected: yes.
Comment: This variant is considered likely benign or benign based on one or more of the following criteria: it is a conservative change, it occurs at a poorly conserved position in the protein, it is predicted to be benign by multiple in silico algorithms, and/or has population frequency not consistent with disease.

PreventionGenetics, part of Exact Sciences
Classification: Likely benign. Review status: criteria provided, single submitter. Criteria: ACMG Guidelines, 2015. Collection method: clinical testing. Allele origin: germline.

NM_000090.4(COL3A1):c.708C>G (p.Pro236=)

Gene: COL3A1 (collagen type III alpha 1 chain; plus strand). Cytogenetic location: 2q32.2.
Variant type: single nucleotide variant.
Coding change: c.708C>G on transcript NM_000090.4 (MANE Select); coding-DNA position 708, C replaced by G.
Protein change: p.Pro236=; no amino-acid change (proline 236 retained).
Molecular consequence: synonymous variant.
Genome position (GRCh38, 1-based): chr2:188,990,113, C>G. VCF-style: chr2-188990113-C-G. GRCh37 (hg19) VCF-style: chr2-189854839-C-G.
Identifiers: ClinVar variation 254973 (VCV000254973.14), dbSNP rs775390389, ClinGen allele CA076829.
Genomic context (GRCh38, chr2:188,990,113, plus strand): 5'-TCTCATACATGAGCACCTACGTATTCTTTATTTCTCTACCTAGGGAGAATCAGGTAGACC[C>G]GGACGACCTGGAGAGCGAGGATTGCCTGGACCTCCAGTGAGTCTTCAGCATCTAATAAAT-3'
Protein context (NP_000081.2, residues 226-246): PAGKDGESGR[Pro236=]GRPGERGLPG